The following is an entry in ClinVar:

ClinVar aggregate classification (germline): Uncertain significance (1 of 4 stars; one submission).

Conditions:
Tuberous sclerosis 2 (TSC2). Identifiers: Orphanet 805, MedGen C1860707, MONDO:0013199, OMIM 613254.

Submission:

Labcorp Genetics (formerly Invitae), Labcorp
Classification: Uncertain significance for Tuberous sclerosis 2. Last evaluated: 2023-09-19. Review status: criteria provided, single submitter. Criteria: Invitae Variant Classification Sherloc (09022015). Collection method: clinical testing. Allele origin: germline.
Comment: Experimental studies and prediction algorithms are not available or were not evaluated, and the functional significance of this variant is currently unknown. In summary, the available evidence is currently insufficient to determine the role of this variant in disease. Therefore, it has been classified as a Variant of Uncertain Significance. This variant has not been reported in the literature in individuals affected with TSC2-related conditions. This variant results in a copy number gain of the genomic region encompassing exon(s) 1-37 of the TSC2 gene. This region includes the initiator codon of the gene. This copy number gain extends beyond the assayed region for this gene and therefore may encompass additional genes. As the precise location of this event is unknown, it may be in tandem or it may be located elsewhere in the genome.

NC_000016.9:g.(?_2089925)_(2136390_?)dup

Genes: NTHL1 (nth like DNA glycosylase 1; minus strand), TSC2 (TSC complex subunit 2; plus strand). Cytogenetic location: 16p13.3.
Variant type: Duplication.
Identifiers: ClinVar variation 1373208 (VCV001373208.4).